The following is an entry in ClinVar:

NM_000222.3(KIT):c.1291G>T (p.Ala431Ser)

Gene: KIT (KIT proto-oncogene, receptor tyrosine kinase; plus strand). Cytogenetic location: 4q12.
Variant type: single nucleotide variant.
Coding change: c.1291G>T on transcript NM_000222.3 (MANE Select); coding-DNA position 1291, G replaced by T.
Protein change: p.Ala431Ser; replaces alanine 431 with serine.
Molecular consequence: missense variant.
Genome position (GRCh38, 1-based): chr4:54,723,643, G>T. VCF-style: chr4-54723643-G-T. GRCh37 (hg19) VCF-style: chr4-55589809-G-T.
Other names: c.1291G>T, p.Ala431Ser (NM_001093772.2, NM_001385285.1, NM_001385286.1); c.1294G>T, p.Ala432Ser (NM_001385284.1, NM_001385288.1, NM_001385290.1 and 1 more transcripts); short protein forms A431S, A432S.
Identifiers: ClinVar variation 1465903 (VCV001465903.11), dbSNP rs962542157, ClinGen allele CA96872802.
Genomic context (GRCh38, chr4:54,723,643, plus strand): 5'-GCAAAACCAGAAATCCTGACTTACGACAGGCTCGTGAATGGCATGCTCCAATGTGTGGCA[G>T]CAGGATTCCCAGAGCCCACAATAGATTGGTATTTTTGTCCAGGAACTGAGCAGAGGTGAG-3'
Protein context (NP_000213.1, residues 421-441): LVNGMLQCVA[Ala431Ser]GFPEPTIDWY

ClinVar aggregate classification (germline): Conflicting classifications of pathogenicity. Review status: criteria provided, conflicting classifications (1 of 4 stars). 2 submissions from 2 submitters: Uncertain significance (1); Likely benign (1). Last evaluated 2025-03-24.

Conditions:
Hereditary cancer-predisposing syndrome. Also called: Hereditary neoplastic syndrome; Tumor predisposition; Hereditary Cancer Syndrome; Neoplastic Syndromes, Hereditary. Identifiers: Orphanet 140162, MedGen C0027672, MeSH D009386, MONDO:0015356.
Gastrointestinal stromal tumor. Also called: Gastrointestinal stroma tumor; Gastrointestinal stromal tumor, somatic. Identifiers: Orphanet 44890, MedGen C0238198, MeSH D046152, MONDO:0011719, OMIM 606764, HP:0100723.

Allele frequency attached by ClinVar (database versions not stated): gnomAD exomes below 0.00001.
gnomAD v4.1: 1 of 1,614,134 alleles (0.000062%); highest among the groups gnomAD compares: Non-Finnish European, 0.000085%; no homozygotes.

Submissions (2):

Ambry Genetics
Classification: Likely benign for Hereditary cancer-predisposing syndrome. Last evaluated: 2025-03-24. Review status: criteria provided, single submitter. Criteria: Ambry Variant Classification Scheme 2023. Collection method: clinical testing. Allele origin: germline.

Labcorp Genetics (formerly Invitae), Labcorp
Classification: Uncertain significance for Gastrointestinal stromal tumor. Last evaluated: 2022-07-22. Review status: criteria provided, single submitter. Criteria: Invitae Variant Classification Sherloc (09022015). Collection method: clinical testing. Allele origin: germline.
Comment: In summary, the available evidence is currently insufficient to determine the role of this variant in disease. Therefore, it has been classified as a Variant of Uncertain Significance. Algorithms developed to predict the effect of missense changes on protein structure and function output the following: SIFT: "Tolerated"; PolyPhen-2: "Benign"; Align-GVGD: "Class C0". The serine amino acid residue is found in multiple mammalian species, which suggests that this missense change does not adversely affect protein function. ClinVar contains an entry for this variant (Variation ID: 1465903). This variant has not been reported in the literature in individuals affected with KIT-related conditions. This variant is not present in population databases (gnomAD no frequency). This sequence change replaces alanine, which is neutral and non-polar, with serine, which is neutral and polar, at codon 431 of the KIT protein (p.Ala431Ser).